The following is an entry in ClinVar:

ClinVar aggregate classification (germline): Likely benign. Review status: criteria provided, multiple submitters, no conflicts (2 of 4 stars). 3 submissions from 3 submitters: Likely benign (3). Last evaluated 2026-03-31.

Conditions:
ABCB4-related disorder. Also called: ABCB4-related disorders; ABCB4-related condition.

Allele frequency attached by ClinVar (database versions not stated): TOPMed below 0.00001; gnomAD 0.00001; ExAC 0.00002; gnomAD exomes 0.00006; ESP Exome Variant Server 0.00008.
gnomAD v4.1: 92 of 1,613,778 alleles (0.0057%); highest among the groups gnomAD compares: Non-Finnish European, 0.0078%; no homozygotes.

Submissions (3):

PreventionGenetics, part of Exact Sciences
Classification: Likely benign for ABCB4-related condition. Last evaluated: 2026-03-31. Review status: criteria provided, single submitter. Criteria: ACMG Guidelines, 2015. Collection method: clinical testing. Allele origin: germline.
Comment: This variant is classified as likely benign based on ACMG/AMP sequence variant interpretation guidelines (Richards et al. 2015 PMID: 25741868, with internal and published modifications).

Blueprint Genetics
Classification: Likely benign. Last evaluated: 2024-11-05. Review status: criteria provided, single submitter. Criteria: ACMG Guidelines, 2015. Collection method: clinical testing. Allele origin: germline.

Labcorp Genetics (formerly Invitae), Labcorp
Classification: Likely benign. Last evaluated: 2024-03-16. Review status: criteria provided, single submitter. Criteria: Invitae Variant Classification Sherloc (09022015). Collection method: clinical testing. Allele origin: germline.

NM_000443.4(ABCB4):c.2058T>C (p.Asp686=)

Gene: ABCB4 (ATP binding cassette subfamily B member 4; minus strand). Cytogenetic location: 7q21.12.
Variant type: single nucleotide variant.
Coding change: c.2058T>C on transcript NM_000443.4 (MANE Select); coding-DNA position 2058, T replaced by C.
Protein change: p.Asp686=; no amino-acid change (aspartic acid 686 retained).
Molecular consequence: synonymous variant.
Genome position (GRCh38, 1-based): chr7:87,426,756, A>G on the plus strand (T>C on the coding strand, the complement: ABCB4 is on the minus strand). VCF-style: chr7-87426756-A-G. GRCh37 (hg19) VCF-style: chr7-87056072-A-G.
Other names: c.2058T>C (NM_000443.3); c.2058T>C, p.Asp686= (NM_018849.3, NM_018850.3).
Identifiers: ClinVar variation 2963298 (VCV002963298.5), dbSNP rs368880549, ClinGen allele CA4327136.
Genomic context (GRCh38, chr7:87,426,756, plus strand): 5'-AATTGTAGCAAAACTACAAAGTAAAAGACTTAATTTAAGTGAAAAACAACTTACAAGTCC[A>G]TCGGTTTCCACATCAAGGCTCTTCTGACACATTTGTGAATTTTTAAGGTTTTTCTGAGTA-3'
Protein context (NP_000434.1, residues 676-696): MCQKSLDVET[Asp686=]GLEANVPPVS